The following is an entry in ClinVar:

NM_006648.4(WNK2):c.52G>T (p.Gly18Trp)

Gene: WNK2 (WNK lysine deficient protein kinase 2; plus strand). Cytogenetic location: 9q22.31.
Variant type: single nucleotide variant.
Coding change: c.52G>T on transcript NM_006648.4 (MANE Select); coding-DNA position 52, G replaced by T.
Protein change: p.Gly18Trp; replaces glycine 18 with tryptophan.
Molecular consequence: missense variant.
Genome position (GRCh38, 1-based): chr9:93,184,981, G>T. VCF-style: chr9-93184981-G-T. GRCh37 (hg19) VCF-style: chr9-95947263-G-T.
Other names: c.52G>T, p.Gly18Trp (NM_001282394.3); short protein forms G18W.
Identifiers: ClinVar variation 3816502 (VCV003816502.1).

ClinVar aggregate classification (germline): Uncertain significance (1 of 4 stars; one submission).

Submission:

Ambry Genetics
Classification: Uncertain significance. Last evaluated: 2024-12-15. Review status: criteria provided, single submitter. Criteria: Ambry Variant Classification Scheme 2023. Collection method: clinical testing. Allele origin: germline.
Comment: The p.G18W variant (also known as c.52G>T), located in coding exon 1 of the WNK2 gene, results from a G to T substitution at nucleotide position 52. The glycine at codon 18 is replaced by tryptophan, an amino acid with highly dissimilar properties. This amino acid position is conserved. In addition, this alteration is predicted to be tolerated by in silico analysis. Based on the available evidence, the clinical significance of this variant remains unclear.